The following is an entry in ClinVar:

ClinVar aggregate classification (germline): Pathogenic (1 of 4 stars; one submission).

Allele frequency attached by ClinVar (database versions not stated): gnomAD 0.00001; ExAC 0.00003.
gnomAD v4.1: 11 of 1,562,838 alleles (0.0007%); highest among the groups gnomAD compares: Admixed American, 0.005%; no homozygotes.

Submission:

GeneDx
Classification: Pathogenic. Last evaluated: 2023-09-27. Review status: criteria provided, single submitter. Criteria: GeneDx Variant Classification Process June 2021. Collection method: clinical testing. Allele origin: germline. Affected: yes.
Comment: Has not been previously published as pathogenic or benign to our knowledge; Nonsense variant predicted to result in protein truncation or nonsense mediated decay in a gene for which loss of function is a known mechanism of disease

NM_001750.7(CAST):c.454C>T (p.Gln152Ter)

Gene: CAST (calpastatin; plus strand). Cytogenetic location: 5q15.
Variant type: single nucleotide variant.
Coding change: c.454C>T on transcript NM_001750.7 (MANE Select); coding-DNA position 454, C replaced by T.
Protein change: p.Gln152Ter; replaces glutamine 152 with a stop codon.
Molecular consequence: nonsense.
Genome position (GRCh38, 1-based): chr5:96,729,630, C>T. VCF-style: chr5-96729630-C-T. GRCh37 (hg19) VCF-style: chr5-96065334-C-T.
Other names: c.331C>T, p.Gln111Ter (NM_001042440.5, NM_001330627.2); c.397C>T, p.Gln133Ter (NM_001042441.3, NM_001330626.2); c.388C>T, p.Gln130Ter (NM_001042442.3, NM_001329966.1); c.205C>T, p.Gln69Ter (NM_001042443.3, NM_001190442.2, NM_001330631.2 and 3 more transcripts); c.82C>T, p.Gln28Ter (NM_001042444.3, NM_001042446.3, NM_001284212.4 and 2 more transcripts); c.139C>T, p.Gln47Ter (NM_001042445.3, NM_001284213.4, NM_001330632.2 and 8 more transcripts); c.286C>T, p.Gln96Ter (NM_001330628.2); c.409C>T, p.Gln137Ter (NM_001330629.2); and 2 more; short protein forms Q111*, Q115*, Q130*, Q133*, Q137*, Q152*, Q28*, Q47*.
Identifiers: ClinVar variation 2581758 (VCV002581758.1), dbSNP rs754516576, ClinGen allele CA3350851.
Genomic context (GRCh38, chr5:96,729,630, plus strand): 5'-ATGTCTTTATATGTGTGTGGGCACCTGTGTGTGTACTTTCAGCCAAAAAGCCTACCCAAG[C>T]AGGCATCAGATACAGGAAGTAACGATGCTCACAATAAAAAAGCAGTTTCCAGATCAGCTG-3'